The following is an entry in ClinVar:

NM_004281.4(BAG3):c.1334A>G (p.Lys445Arg)

Gene: BAG3 (BAG cochaperone 3; plus strand). Cytogenetic location: 10q26.11.
Variant type: single nucleotide variant.
Coding change: c.1334A>G on transcript NM_004281.4 (MANE Select); coding-DNA position 1334, A replaced by G.
Protein change: p.Lys445Arg; replaces lysine 445 with arginine.
Molecular consequence: missense variant.
Genome position (GRCh38, 1-based): chr10:119,676,888, A>G. VCF-style: chr10-119676888-A-G. GRCh37 (hg19) VCF-style: chr10-121436400-A-G.
Other names: short protein forms K445R.
Identifiers: ClinVar variation 1958782 (VCV001958782.5), dbSNP rs2494023793, ClinGen allele CA378297094.

ClinVar aggregate classification (germline): Uncertain significance (1 of 4 stars; one submission).

Conditions:
Myofibrillar myopathy 6. Identifiers: Orphanet 199340, MedGen C2751831, MONDO:0013061, OMIM 612954.
Dilated cardiomyopathy 1HH (CMD1HH). Identifiers: Orphanet 154, MedGen C3151293, MONDO:0013479, OMIM 613881.

Submission:

Labcorp Genetics (formerly Invitae), Labcorp
Classification: Uncertain significance for Dilated cardiomyopathy 1HH; Myofibrillar myopathy 6. Last evaluated: 2024-11-30. Review status: criteria provided, single submitter. Criteria: Invitae Variant Classification Sherloc (09022015). Collection method: clinical testing. Allele origin: germline.
Comment: This sequence change replaces lysine, which is basic and polar, with arginine, which is basic and polar, at codon 445 of the BAG3 protein (p.Lys445Arg). This variant is not present in population databases (gnomAD no frequency). This variant has not been reported in the literature in individuals affected with BAG3-related conditions. ClinVar contains an entry for this variant (Variation ID: 1958782). Invitae Evidence Modeling of protein sequence and biophysical properties (such as structural, functional, and spatial information, amino acid conservation, physicochemical variation, residue mobility, and thermodynamic stability) indicates that this missense variant is not expected to disrupt BAG3 protein function with a negative predictive value of 80%. In summary, the available evidence is currently insufficient to determine the role of this variant in disease. Therefore, it has been classified as a Variant of Uncertain Significance.